The following is an entry in ClinVar:

ClinVar aggregate classification (germline): Uncertain significance (1 of 4 stars; one submission).

Conditions:
Hereditary cancer-predisposing syndrome. Also called: Hereditary Cancer Syndrome; Tumor predisposition; Hereditary neoplastic syndrome; Neoplastic Syndromes, Hereditary. Identifiers: Orphanet 140162, MedGen C0027672, MeSH D009386, MONDO:0015356.

Submission:

Ambry Genetics
Classification: Uncertain significance for Hereditary cancer-predisposing syndrome. Last evaluated: 2024-07-09. Review status: criteria provided, single submitter. Criteria: Ambry Variant Classification Scheme 2023. Collection method: clinical testing. Allele origin: germline.
Comment: The p.K284E variant (also known as c.850A>G), located in coding exon 9 of the NF2 gene, results from an A to G substitution at nucleotide position 850. The lysine at codon 284 is replaced by glutamic acid, an amino acid with similar properties. This amino acid position is conserved. In addition, the in silico prediction for this alteration is inconclusive. Based on the available evidence, the clinical significance of this variant remains unclear.

NM_000268.4(NF2):c.850A>G (p.Lys284Glu)

Gene: NF2 (NF2, moesin-ezrin-radixin like (MERLIN) tumor suppressor; plus strand). Cytogenetic location: 22q12.2.
Variant type: single nucleotide variant.
Coding change: c.850A>G on transcript NM_000268.4 (MANE Select); coding-DNA position 850, A replaced by G.
Protein change: p.Lys284Glu; replaces lysine 284 with glutamic acid.
Molecular consequence: missense variant. On other transcripts: non-coding transcript variant (1), intron variant (1).
Genome position (GRCh38, 1-based): chr22:29,665,029, A>G. VCF-style: chr22-29665029-A-G. GRCh37 (hg19) VCF-style: chr22-30061018-A-G.
Other names: c.736A>G, p.Lys246Glu (NM_001407053.1, NM_001407056.1); c.727A>G, p.Lys243Glu (NM_001407054.1, NM_001407058.1, NM_181829.3); c.724A>G, p.Lys242Glu (NM_001407055.1, NM_181828.3); c.715A>G, p.Lys239Glu (NM_001407057.1, NM_001407059.1); c.850A>G, p.Lys284Glu (NM_001407060.1, NM_001407066.1, NM_016418.5 and 2 more transcripts); c.592A>G, p.Lys198Glu (NM_001407062.1); c.601A>G, p.Lys201Glu (NM_001407063.1, NM_001407064.1, NM_181830.3 and 1 more transcripts); c.316A>G, p.Lys106Glu (NM_001407065.1); and 2 more; short protein forms K106E, K201E, K246E, K243E, K284E, K198E, K239E, K207E.
Identifiers: ClinVar variation 3404980 (VCV003404980.1).